The following is an entry in ClinVar:

ClinVar aggregate classification (germline): Uncertain significance. Review status: criteria provided, multiple submitters, no conflicts (2 of 4 stars). 4 submissions from 4 submitters: Uncertain significance (4). Last evaluated 2025-10-02.

Allele frequency attached by ClinVar (database versions not stated): gnomAD 0.00017 and 0.00020; ExAC 0.00024; gnomAD exomes 0.00027; TOPMed 0.00030; ESP Exome Variant Server 0.00031.
gnomAD v4.1: 286 of 1,612,964 alleles (0.018%); highest among the groups gnomAD compares: Middle Eastern, 0.13%; 1 homozygote.

Submissions (4):

Labcorp Genetics (formerly Invitae), Labcorp
Classification: Uncertain significance. Last evaluated: 2025-10-02. Review status: criteria provided, single submitter. Criteria: Invitae Variant Classification Sherloc (09022015). Collection method: clinical testing. Allele origin: germline.
Comment: This sequence change replaces glycine, which is neutral and non-polar, with arginine, which is basic and polar, at codon 2257 of the CELSR2 protein (p.Gly2257Arg). This variant is present in population databases (rs143064921, gnomAD 0.09%), and has an allele count higher than expected for a pathogenic variant. This variant has not been reported in the literature in individuals affected with CELSR2-related conditions. ClinVar contains an entry for this variant (Variation ID: 871868). Invitae Evidence Modeling of protein sequence and biophysical properties (such as structural, functional, and spatial information, amino acid conservation, physicochemical variation, residue mobility, and thermodynamic stability) indicates that this missense variant is not expected to disrupt CELSR2 protein function with a negative predictive value of 80%. In summary, the available evidence is currently insufficient to determine the role of this variant in disease. Therefore, it has been classified as a Variant of Uncertain Significance.

Ambry Genetics
Classification: Uncertain significance. Last evaluated: 2025-02-09. Review status: criteria provided, single submitter. Criteria: Ambry Variant Classification Scheme 2023. Collection method: clinical testing. Allele origin: germline.

CeGaT Center for Human Genetics Tuebingen
Classification: Uncertain significance. Last evaluated: 2019-09-01. Review status: criteria provided, single submitter. Criteria: CeGaT Center For Human Genetics Tuebingen Variant Classification Criteria Version 2. Collection method: clinical testing. Allele origin: germline. Affected: yes. Observed: 3 variant alleles.

Breakthrough Genomics
Classification: Uncertain significance. Review status: criteria provided, single submitter. Criteria: ACMG Guidelines, 2015. Collection method: not provided. Allele origin: germline. Inheritance: Unknown mechanism. Affected: yes.

NM_001408.3(CELSR2):c.6769G>A (p.Gly2257Arg)

Gene: CELSR2 (cadherin EGF LAG seven-pass G-type receptor 2; plus strand). Cytogenetic location: 1p13.3.
Variant type: single nucleotide variant.
Coding change: c.6769G>A on transcript NM_001408.3 (MANE Select); coding-DNA position 6769, G replaced by A.
Protein change: p.Gly2257Arg; replaces glycine 2257 with arginine.
Molecular consequence: missense variant.
Genome position (GRCh38, 1-based): chr1:109,269,247, G>A. VCF-style: chr1-109269247-G-A. GRCh37 (hg19) VCF-style: chr1-109811869-G-A.
Other names: c.6769G>A (NM_001408.2); short protein forms G2257R.
Identifiers: ClinVar variation 871868 (VCV000871868.48), dbSNP rs143064921, ClinGen allele CA987991.
Genomic context (GRCh38, chr1:109,269,247, plus strand): 5'-CACCCGGAGCTGAGCCAGGGTGAGGCTGTGGCCAGCGTCATCATCTACCGCACCCTGGCC[G>A]GGCTACTGCCTCATAACTATGACCCTGACAAGCGCAGCTTGAGGTCAGCAGCTAGGGGAC-3'
Protein context (NP_001399.1, residues 2247-2267): ASVIIYRTLA[Gly2257Arg]LLPHNYDPDK